The following is an entry in ClinVar:

NM_000143.4(FH):c.243del (p.Ile81fs)

Gene: FH (fumarate hydratase; minus strand). Cytogenetic location: 1q43.
Variant type: Deletion.
Coding change: c.243del on transcript NM_000143.4 (MANE Select); coding-DNA position 243, one base deleted (T; older notation c.243delT).
Protein change: p.Ile81fs; shifts the reading frame from isoleucine 81.
Molecular consequence: frameshift variant.
Genome position (GRCh38, 1-based): chr1:241,517,206, A deleted on the plus strand (T on the coding strand, the reverse complement: FH is on the minus strand); the first of 2 consecutive A bases (chr1:241,517,206-241,517,207); deleting either gives the same sequence. VCF-style (leftmost placement, unchanged base first): chr1-241517205-CA-C. GRCh37 (hg19) VCF-style: chr1-241680505-CA-C.
Other names: short protein forms I81fs.
Identifiers: ClinVar variation 821277 (VCV000821277.4), dbSNP rs1573888356, ClinGen allele CA915942114.

ClinVar aggregate classification (germline): Pathogenic (1 of 4 stars; one submission).

Conditions:
Hereditary cancer-predisposing syndrome. Also called: Neoplastic Syndromes, Hereditary; Tumor predisposition; Hereditary Cancer Syndrome; Hereditary neoplastic syndrome. Identifiers: Orphanet 140162, MedGen C0027672, MeSH D009386, MONDO:0015356.

Submission:

Ambry Genetics
Classification: Pathogenic for Hereditary cancer-predisposing syndrome. Last evaluated: 2019-04-04. Review status: criteria provided, single submitter. Criteria: Ambry Variant Classification Scheme 2023. Collection method: clinical testing. Allele origin: germline.
Comment: The c.243delT pathogenic mutation, located in coding exon 2 of the FH gene, results from a deletion of one nucleotide at nucleotide position 243, causing a translational frameshift with a predicted alternate stop codon (p.I81Mfs*4). This alteration is expected to result in loss of function by premature protein truncation or nonsense-mediated mRNA decay. As such, this alteration is interpreted as a disease-causing mutation.